The following is an entry in ClinVar:

NM_001142800.2(EYS):c.-337T>A

Gene: EYS (EGF-like photoreceptor maintenance factor; minus strand). Cytogenetic location: 6q12.
Variant type: single nucleotide variant.
Coding change: c.-337T>A on transcript NM_001142800.2 (MANE Select); 337 bases upstream of the start codon, T replaced by A.
Molecular consequence: 5 prime UTR variant.
Genome position (GRCh38, 1-based): chr6:65,639,782, A>T on the plus strand (T>A on the coding strand, the complement: EYS is on the minus strand). VCF-style: chr6-65639782-A-T. GRCh37 (hg19) VCF-style: chr6-66349675-A-T.
Other names: c.-337T>A (NM_001142801.2, NM_001292009.2).
Identifiers: ClinVar variation 357756 (VCV000357756.16), dbSNP rs145321084, ClinGen allele CA10627418.

ClinVar aggregate classification (germline): Conflicting classifications of pathogenicity. Review status: criteria provided, conflicting classifications (1 of 4 stars). 5 submissions from 5 submitters: Uncertain significance (1); Benign (1); Likely benign (1). 2 of the submissions do not count toward it. Last evaluated 2026-01-28.

Conditions:
Retinitis pigmentosa (RP). Identifiers: Orphanet 791, MedGen C0035334, MeSH D012174, MONDO:0019200, OMIM 268000. Inheritance: Autosomal dominant, autosomal recessive and X linked inheritance.
EYS-related disorder. Also called: EYS-related condition.

Allele frequency attached by ClinVar (database versions not stated): 1000 Genomes Project 0.00100; 1000 Genomes Project 30x 0.00156; gnomAD 0.00201; TOPMed 0.00261; gnomAD exomes 0.25000.
gnomAD v4.1: 377 of 152,326 alleles (0.25%); highest among the groups gnomAD compares: Non-Finnish European, 0.41%; 2 homozygotes.

Submissions (5):

Labcorp Genetics (formerly Invitae), Labcorp
Classification: Benign. Last evaluated: 2026-01-28. Review status: criteria provided, single submitter. Criteria: Invitae Variant Classification Sherloc (09022015). Collection method: clinical testing. Allele origin: germline.

Illumina Laboratory Services, Illumina
Classification: Uncertain significance for Retinitis pigmentosa. Last evaluated: 2018-01-12. Review status: criteria provided, single submitter. Criteria: ICSL Variant Classification Criteria 13 December 2019. Collection method: clinical testing. Allele origin: germline.

GeneDx
Classification: Likely benign. Last evaluated: 2016-04-01. Review status: criteria provided, single submitter. Criteria: GeneDx Variant Classification (06012015). Collection method: clinical testing. Allele origin: germline. Affected: yes.
Comment: This variant is considered likely benign or benign based on one or more of the following criteria: it is a conservative change, it occurs at a poorly conserved position in the protein, it is predicted to be benign by multiple in silico algorithms, and/or has population frequency not consistent with disease.

PreventionGenetics, part of Exact Sciences
Classification: Likely benign for EYS-related condition. Last evaluated: 2024-09-12. Review status: no assertion criteria provided. Collection method: clinical testing. Allele origin: germline. Not counted in ClinVar's aggregate classification.
Comment: This variant is classified as likely benign based on ACMG/AMP sequence variant interpretation guidelines (Richards et al. 2015 PMID: 25741868, with internal and published modifications).

Natera, Inc.
Classification: Likely benign for Retinitis pigmentosa. Last evaluated: 2020-09-16. Review status: no assertion criteria provided. Collection method: clinical testing. Allele origin: germline. Not counted in ClinVar's aggregate classification.